The following is an entry in ClinVar:

NM_004562.3(PRKN):c.*108AC[5]

Gene: PRKN (parkin RBR E3 ubiquitin protein ligase; minus strand). Cytogenetic location: 6q26.
Variant type: Microsatellite.
Coding change: c.*108AC[5] on transcript NM_004562.3 (MANE Select); five copies in a row of the 2-base unit AC starting at c.*108; the reference has four copies in a row; one copy, 2 bases duplicated.
Molecular consequence: 3 prime UTR variant.
Genome position (GRCh38, 1-based): chr6:161,349,984-161,349,985, GT duplicated on the plus strand (AC on the coding strand, the reverse complement: PRKN is on the minus strand); duplicating any 2 consecutive bases within chr6:161,349,984-161,349,992 gives the same sequence; the position shown is the placement nearest the transcript's 3' end. VCF-style (leftmost placement, unchanged base first): chr6-161349983-A-AGT. GRCh37 (hg19) VCF-style: chr6-161771015-A-AGT.
Other names: c.*108AC[5] (NM_013987.3, NM_013988.3).
Identifiers: ClinVar variation 356011 (VCV000356011.8), dbSNP rs575581029, ClinGen allele CA10623393.

ClinVar aggregate classification (germline): Uncertain significance. Review status: criteria provided, single submitter (1 of 4 stars). 2 submissions from 2 submitters: Uncertain significance (1). 1 of the submissions does not count toward it.

Conditions:
PRKN-related disorder. Also called: PRKN-related condition.

Submissions (2):

Breakthrough Genomics
Classification: Uncertain significance. Review status: criteria provided, single submitter. Criteria: ACMG Guidelines, 2015. Collection method: not provided. Allele origin: germline. Inheritance: Autosomal recessive inheritance. Affected: yes.

PreventionGenetics, part of Exact Sciences
Classification: Likely benign for PRKN-related condition. Last evaluated: 2024-02-27. Review status: no assertion criteria provided. Collection method: clinical testing. Allele origin: germline. Not counted in ClinVar's aggregate classification.
Comment: This variant is classified as likely benign based on ACMG/AMP sequence variant interpretation guidelines (Richards et al. 2015 PMID: 25741868, with internal and published modifications).